The following is an entry in ClinVar:

NM_000368.5(TSC1):c.2162G>A (p.Arg721His)

Gene: TSC1 (TSC complex subunit 1; minus strand). Cytogenetic location: 9q34.13.
Variant type: single nucleotide variant.
Coding change: c.2162G>A on transcript NM_000368.5 (MANE Select); coding-DNA position 2162, G replaced by A.
Protein change: p.Arg721His; replaces arginine 721 with histidine.
Molecular consequence: missense variant.
Genome position (GRCh38, 1-based): chr9:132,903,697, C>T on the plus strand (G>A on the coding strand, the complement: TSC1 is on the minus strand). VCF-style: chr9-132903697-C-T. GRCh37 (hg19) VCF-style: chr9-135779084-C-T.
Other names: c.2159G>A, p.Arg720His (NM_001162426.2); c.2009G>A, p.Arg670His (NM_001162427.2); c.1799G>A, p.Arg600His (NM_001362177.2); short protein forms R721H, R670H, R720H, R600H.
Identifiers: ClinVar variation 425467 (VCV000425467.60), dbSNP rs769566267, ClinGen allele CA031606.

ClinVar aggregate classification (germline): Conflicting classifications of pathogenicity. Review status: criteria provided, conflicting classifications (1 of 4 stars). 6 submissions from 6 submitters: Uncertain significance (4); Likely benign (2). Last evaluated 2026-01-12.

Conditions:
Hereditary cancer-predisposing syndrome. Also called: Hereditary neoplastic syndrome; Tumor predisposition; Hereditary Cancer Syndrome; Neoplastic Syndromes, Hereditary. Identifiers: Orphanet 140162, MedGen C0027672, MeSH D009386, MONDO:0015356.
Tuberous sclerosis syndrome (TSC). Also called: Tuberous sclerosis; Tuberous Sclerosis Complex. Identifiers: Orphanet 805, MedGen C0041341, MONDO:0001734.
Tuberous sclerosis 1 (TSC1). Identifiers: Orphanet 805, MedGen C1854465, MONDO:0008612, OMIM 191100.

gnomAD v4.1: 13 of 1,612,918 alleles (0.00081%); highest among the groups gnomAD compares: East Asian, 0.0045%; no homozygotes.

Submissions (6):

Labcorp Genetics (formerly Invitae), Labcorp
Classification: Likely benign for Tuberous sclerosis 1. Last evaluated: 2026-01-12. Review status: criteria provided, single submitter. Criteria: Invitae Variant Classification Sherloc (09022015). Collection method: clinical testing. Allele origin: germline.

Color Diagnostics, LLC DBA Color Health
Classification: Uncertain significance for Tuberous sclerosis syndrome. Last evaluated: 2025-06-09. Review status: criteria provided, single submitter. Criteria: ACMG Guidelines, 2015. Collection method: clinical testing. Allele origin: germline.
Comment: This missense variant replaces arginine with histidine at codon 721 of the TSC1 protein. Computational prediction is inconclusive regarding the impact of this variant on protein structure and function. To our knowledge, functional studies have not been reported for this variant. This variant has not been reported in individuals affected with TSC1-related disorders in the literature. This variant has been identified in 4/251238 chromosomes in the general population by the Genome Aggregation Database (gnomAD). The available evidence is insufficient to determine the role of this variant in disease conclusively. Therefore, this variant is classified as a Variant of Uncertain Significance.

Ambry Genetics
Classification: Uncertain significance for Hereditary cancer-predisposing syndrome. Last evaluated: 2024-09-17. Review status: criteria provided, single submitter. Criteria: Ambry Variant Classification Scheme 2023. Collection method: clinical testing. Allele origin: germline.
Comment: The p.R721H variant (also known as c.2162G>A), located in coding exon 15 of the TSC1 gene, results from a G to A substitution at nucleotide position 2162. The arginine at codon 721 is replaced by histidine, an amino acid with highly similar properties. This amino acid position is highly conserved in available vertebrate species. In addition, the in silico prediction for this alteration is inconclusive. Based on the available evidence, the clinical significance of this variant remains unclear.

All of Us Research Program, National Institutes of Health
Classification: Uncertain significance for Tuberous sclerosis syndrome. Last evaluated: 2023-02-24. Review status: criteria provided, single submitter. Criteria: ACMG Guidelines, 2015. Collection method: clinical testing. Allele origin: germline. Inheritance: Autosomal dominant inheritance. Observed: 1 variant allele, 1 heterozygote.
Comment: This missense variant replaces arginine with histidine at codon 721 of the TSC1 protein. Computational prediction is inconclusive regarding the impact of this variant on protein structure and function (internally defined REVEL score threshold 0.5 < inconclusive < 0.7, PMID: 27666373). To our knowledge, functional studies have not been reported for this variant. This variant has not been reported in individuals affected with TSC1-related disorders in the literature. This variant has been identified in 4/251238 chromosomes in the general population by the Genome Aggregation Database (gnomAD). The available evidence is insufficient to determine the role of this variant in disease conclusively. Therefore, this variant is classified as a Variant of Uncertain Significance.

This study involves interpretation of variants in research participants for the purpose of population health screening. Participant phenotype was not available at the time of variant classification. Additional details can be found in publication PMID: 35346344, PMCID: PMC8962531

Genome-Nilou Lab
Classification: Likely benign for Tuberous sclerosis 1. Last evaluated: 2021-11-07. Review status: criteria provided, single submitter. Criteria: ACMG Guidelines, 2015. Collection method: clinical testing. Allele origin: germline. Affected: no.

CeGaT Center for Human Genetics Tuebingen
Classification: Uncertain significance. Last evaluated: 2016-09-01. Review status: criteria provided, single submitter. Criteria: CeGaT Center For Human Genetics Tuebingen Variant Classification Criteria Version 2. Collection method: clinical testing. Allele origin: germline. Affected: yes. Observed: 1 variant allele.